The following is an entry in ClinVar:

ClinVar aggregate classification (germline): Uncertain significance (1 of 4 stars; one submission).

Conditions:
Hermansky-Pudlak syndrome 2 (HPS2). Also called: Platelet defects and oculocutaneous albinism. Identifiers: Orphanet 183678, Orphanet 79430, MedGen C1842362, MONDO:0011997, OMIM 608233.

Allele frequency attached by ClinVar (database versions not stated): TOPMed below 0.00001; gnomAD 0.00001; gnomAD exomes 0.00001.

Submission:

Labcorp Genetics (formerly Invitae), Labcorp
Classification: Uncertain significance for Hermansky-Pudlak syndrome 2. Last evaluated: 2022-04-01. Review status: criteria provided, single submitter. Criteria: Invitae Variant Classification Sherloc (09022015). Collection method: clinical testing. Allele origin: germline.
Comment: This variant is not present in population databases (gnomAD no frequency). This variant has not been reported in the literature in individuals affected with AP3B1-related conditions. Algorithms developed to predict the effect of missense changes on protein structure and function (SIFT, PolyPhen-2, Align-GVGD) all suggest that this variant is likely to be tolerated. In summary, the available evidence is currently insufficient to determine the role of this variant in disease. Therefore, it has been classified as a Variant of Uncertain Significance. This sequence change replaces glutamine, which is neutral and polar, with arginine, which is basic and polar, at codon 475 of the AP3B1 protein (p.Gln475Arg).

NM_003664.5(AP3B1):c.1424A>G (p.Gln475Arg)

Gene: AP3B1 (adaptor related protein complex 3 subunit beta 1; minus strand). Cytogenetic location: 5q14.1.
Variant type: single nucleotide variant.
Coding change: c.1424A>G on transcript NM_003664.5 (MANE Select); coding-DNA position 1424, A replaced by G.
Protein change: p.Gln475Arg; replaces glutamine 475 with arginine.
Molecular consequence: missense variant.
Genome position (GRCh38, 1-based): chr5:78,156,307, T>C on the plus strand (A>G on the coding strand, the complement: AP3B1 is on the minus strand). VCF-style: chr5-78156307-T-C. GRCh37 (hg19) VCF-style: chr5-77452131-T-C.
Other names: c.1277A>G, p.Gln426Arg (NM_001271769.2); short protein forms Q475R, Q426R.
Identifiers: ClinVar variation 1396813 (VCV001396813.6), dbSNP rs1743147205, ClinGen allele CA360189230.